The following is an entry in ClinVar:

ClinVar aggregate classification (germline): Uncertain significance (1 of 4 stars; one submission).

gnomAD v4.1: 5 of 1,209,790 alleles (0.00041%); highest among the groups gnomAD compares: South Asian, 0.0018%; no homozygotes.

Submission:

GeneDx
Classification: Uncertain significance. Last evaluated: 2024-11-21. Review status: criteria provided, single submitter. Criteria: GeneDx Variant Classification Process June 2021. Collection method: clinical testing. Allele origin: germline. Affected: yes.
Comment: Not observed at significant frequency in large population cohorts (gnomAD); In silico analysis supports that this missense variant has a deleterious effect on protein structure/function; Has not been previously published as pathogenic or benign to our knowledge

NM_201599.3(ZMYM3):c.877C>T (p.Arg293Cys)

Gene: ZMYM3 (zinc finger MYM-type containing 3; minus strand). Cytogenetic location: Xq13.1.
Variant type: single nucleotide variant.
Coding change: c.877C>T on transcript NM_201599.3 (MANE Select); coding-DNA position 877, C replaced by T.
Protein change: p.Arg293Cys; replaces arginine 293 with cysteine.
Molecular consequence: missense variant.
Genome position (GRCh38, 1-based): chrX:71,250,628, G>A on the plus strand (C>T on the coding strand, the complement: ZMYM3 is on the minus strand). VCF-style: chrX-71250628-G-A. GRCh37 (hg19) VCF-style: chrX-70470478-G-A.
Other names: c.877C>T, p.Arg293Cys (NM_001171162.1, NM_001171163.1, NM_005096.3); short protein forms R293C.
Identifiers: ClinVar variation 3900562 (VCV003900562.1).
Genomic context (GRCh38, chrX:71,250,628, plus strand): 5'-GTGCACAAGTCATCTTGGTGCCCACTGCAGAGCGCCCGGCCCTTTGTGACACACTTGAGC[G>A]TAGGGACATGCGAGGAGAGCGCCGGGGCCGGAATGGCACAAAGTCCTCATCATTGGGGTC-3'
Protein context (NP_963893.1, residues 283-303): RPRRSPRMSL[Arg293Cys]SSVSQRAGRS